The following is an entry in ClinVar:

NM_014698.3(TMEM63A):c.450G>C (p.Leu150Phe)

Gene: TMEM63A (transmembrane protein 63A; minus strand). Cytogenetic location: 1q42.12.
Variant type: single nucleotide variant.
Coding change: c.450G>C on transcript NM_014698.3 (MANE Select); coding-DNA position 450, G replaced by C.
Protein change: p.Leu150Phe; replaces leucine 150 with phenylalanine.
Molecular consequence: missense variant.
Genome position (GRCh38, 1-based): chr1:225,867,952, C>G on the plus strand (G>C on the coding strand, the complement: TMEM63A is on the minus strand). VCF-style: chr1-225867952-C-G. GRCh37 (hg19) VCF-style: chr1-226055652-C-G.
Other names: short protein forms L150F.
Identifiers: ClinVar variation 4535020 (VCV004535020.6).

ClinVar aggregate classification (germline): Uncertain significance (1 of 4 stars; one submission).

Submission:

CeGaT Center for Human Genetics Tuebingen
Classification: Uncertain significance. Last evaluated: 2025-10-01. Review status: criteria provided, single submitter. Criteria: CeGaT Center For Human Genetics Tuebingen Variant Classification Criteria Version 2. Collection method: clinical testing. Allele origin: germline. Affected: yes. Observed: 1 variant allele.
Comment: TMEM63A: PM2, BP4